The following is an entry in ClinVar:

NM_004738.5(VAPB):c.*75G>A

Gene: VAPB (VAMP associated protein B and C; plus strand). Cytogenetic location: 20q13.32.
Variant type: single nucleotide variant.
Coding change: c.*75G>A on transcript NM_004738.5 (MANE Select); 75 bases downstream of the stop codon, G replaced by A.
Molecular consequence: 3 prime UTR variant. On other transcripts: non-coding transcript variant (1).
Genome position (GRCh38, 1-based): chr20:58,444,310, G>A. VCF-style: chr20-58444310-G-A. GRCh37 (hg19) VCF-style: chr20-57019366-G-A.
Other names: c.*145G>A (NM_001195677.2).
Identifiers: ClinVar variation 338934 (VCV000338934.6), dbSNP rs138521885, ClinGen allele CA9924341.

ClinVar aggregate classification (germline): Benign. Review status: criteria provided, single submitter (1 of 4 stars). 2 submissions from 1 submitter: Benign (2). Last evaluated 2018-01-13.

Conditions:
Adult-onset proximal spinal muscular atrophy, autosomal dominant. Also called: FINKEL LATE-ADULT TYPE SMA; Spinal muscular atrophy, late-onset, finkel type. Identifiers: Orphanet 209335, MedGen C1854058, MONDO:0008453, OMIM 182980.
Amyotrophic lateral sclerosis type 8 (ALS8). Identifiers: Orphanet 803, MedGen C1837728, MONDO:0012077, OMIM 608627.

Allele frequency attached by ClinVar (database versions not stated): gnomAD exomes 0.00065 and 0.00273; gnomAD 0.00098 and 0.00133; TOPMed 0.00127; ExAC 0.00265; 1000 Genomes Project 0.00619; 1000 Genomes Project 30x 0.00687.
gnomAD v4.1: 1,226 of 1,610,376 alleles (0.076%); highest among the groups gnomAD compares: East Asian, 2.2%; 21 homozygotes.

Submissions (2):

Illumina Laboratory Services, Illumina
Classification: Benign for Amyotrophic lateral sclerosis type 8. Last evaluated: 2018-01-13. Review status: criteria provided, single submitter. Criteria: ICSL Variant Classification Criteria 13 December 2019. Collection method: clinical testing. Allele origin: germline.
Comment: This variant was observed in the ICSL laboratory as part of a predisposition screen in an ostensibly healthy population. It had not been previously curated by ICSL or reported in the Human Gene Mutation Database (HGMD: prior to June 1st, 2018), and was therefore a candidate for classification through an automated scoring system. Utilizing variant allele frequency, disease prevalence and penetrance estimates, and inheritance mode, an automated score was calculated to assess if this variant is too frequent to cause the disease. Based on the score and internal cut-off values, a variant classified as benign is not then subjected to further curation. The score for this variant resulted in a classification of benign for this disease.

Illumina Laboratory Services, Illumina
Classification: Benign for Adult-onset proximal spinal muscular atrophy, autosomal dominant. Last evaluated: 2018-01-13. Review status: criteria provided, single submitter. Criteria: ICSL Variant Classification Criteria 13 December 2019. Collection method: clinical testing. Allele origin: germline.
Comment: the same text as in the submission from Illumina Laboratory Services, Illumina above.